The following is an entry in ClinVar:

ClinVar aggregate classification (germline): Uncertain significance. Review status: criteria provided, multiple submitters, no conflicts (2 of 4 stars). 4 submissions from 4 submitters: Uncertain significance (4). Last evaluated 2025-11-17.

Conditions:
Lynch syndrome. Identifiers: Orphanet 144, MedGen C4552100, MONDO:0005835. Disease mechanism: loss of function.
Hereditary nonpolyposis colorectal neoplasms. Identifiers: MedGen C0009405, MeSH D003123.
Hereditary cancer-predisposing syndrome. Also called: Neoplastic Syndromes, Hereditary; Tumor predisposition; Hereditary Cancer Syndrome; Hereditary neoplastic syndrome. Identifiers: Orphanet 140162, MedGen C0027672, MeSH D009386, MONDO:0015356.

Allele frequency attached by ClinVar (database versions not stated): TOPMed below 0.00001; ESP Exome Variant Server 0.00008.
gnomAD v4.1: 1 of 1,614,054 alleles (0.000062%); highest among the groups gnomAD compares: Admixed American, 0.0017%; no homozygotes.

Submissions (4):

Labcorp Genetics (formerly Invitae), Labcorp
Classification: Uncertain significance for Hereditary nonpolyposis colorectal neoplasms. Last evaluated: 2025-11-17. Review status: criteria provided, single submitter. Criteria: Invitae Variant Classification Sherloc (09022015). Collection method: clinical testing. Allele origin: germline.
Comment: This sequence change replaces glycine, which is neutral and non-polar, with arginine, which is basic and polar, at codon 207 of the PMS2 protein (p.Gly207Arg). This variant is not present in population databases (gnomAD no frequency). This variant has not been reported in the literature in individuals affected with PMS2-related conditions. ClinVar contains an entry for this variant (Variation ID: 187684). Invitae Evidence Modeling of protein sequence and biophysical properties (such as structural, functional, and spatial information, amino acid conservation, physicochemical variation, residue mobility, and thermodynamic stability) indicates that this missense variant is expected to disrupt PMS2 protein function with a positive predictive value of 80%. RNA analysis performed to evaluate the impact of this missense change on mRNA splicing indicates it does not significantly alter splicing (internal data). In summary, the available evidence is currently insufficient to determine the role of this variant in disease. Therefore, it has been classified as a Variant of Uncertain Significance.

Ambry Genetics
Classification: Uncertain significance for Hereditary cancer-predisposing syndrome. Last evaluated: 2025-05-12. Review status: criteria provided, single submitter. Criteria: Ambry Variant Classification Scheme 2023. Collection method: clinical testing. Allele origin: germline.
Comment: The p.G207R variant (also known as c.619G>A), located in coding exon 6 of the PMS2 gene, results from a G to A substitution at nucleotide position 619. The glycine at codon 207 is replaced by arginine, an amino acid with dissimilar properties. This amino acid position is well conserved in available vertebrate species. In addition, the in silico prediction for this alteration is inconclusive. Based on the available evidence, the clinical significance of this variant remains unclear.

Color Diagnostics, LLC DBA Color Health
Classification: Uncertain significance for Hereditary cancer-predisposing syndrome. Last evaluated: 2024-03-06. Review status: criteria provided, single submitter. Criteria: ACMG Guidelines, 2015. Collection method: clinical testing. Allele origin: germline.
Comment: This missense variant replaces glycine with arginine at codon 207 of the PMS2 protein. Computational prediction is inconclusive regarding the impact of this variant on protein structure and function (internally defined REVEL score threshold 0.5 < inconclusive < 0.7, PMID: 27666373). To our knowledge, functional studies have not been reported for this variant. This variant has not been reported in individuals affected with hereditary cancer in the literature. This variant has not been identified in the general population by the Genome Aggregation Database (gnomAD). The available evidence is insufficient to determine the role of this variant in disease conclusively. Therefore, this variant is classified as a Variant of Uncertain Significance.

All of Us Research Program, National Institutes of Health
Classification: Uncertain significance for Lynch syndrome. Last evaluated: 2023-06-28. Review status: criteria provided, single submitter. Criteria: ACMG Guidelines, 2015. Collection method: clinical testing. Allele origin: germline. Inheritance: Autosomal dominant inheritance. Observed: 1 variant allele, 1 heterozygote.
Comment: This missense variant replaces glycine with arginine at codon 207 of the PMS2 protein. Computational prediction is inconclusive regarding the impact of this variant on protein structure and function (internally defined REVEL score threshold 0.5 < inconclusive < 0.7, PMID: 27666373). To our knowledge, functional studies have not been reported for this variant. This variant has not been reported in individuals affected with hereditary cancer in the literature. This variant has not been identified in the general population by the Genome Aggregation Database (gnomAD). The available evidence is insufficient to determine the role of this variant in disease conclusively. Therefore, this variant is classified as a Variant of Uncertain Significance.

This study involves interpretation of variants in research participants for the purpose of population health screening. Participant phenotype was not available at the time of variant classification. Additional details can be found in publication PMID: 35346344, PMCID: PMC8962531

NM_000535.7(PMS2):c.619G>A (p.Gly207Arg)

Gene: PMS2 (PMS1 homolog 2, mismatch repair system component; minus strand). Cytogenetic location: 7p22.1.
Variant type: single nucleotide variant.
Coding change: c.619G>A on transcript NM_000535.7 (MANE Select); coding-DNA position 619, G replaced by A.
Protein change: p.Gly207Arg; replaces glycine 207 with arginine.
Molecular consequence: missense variant. On other transcripts: 5 prime UTR variant (2), non-coding transcript variant (1), intron variant (1).
Genome position (GRCh38, 1-based): chr7:5,999,194, C>T on the plus strand (G>A on the coding strand, the complement: PMS2 is on the minus strand). VCF-style: chr7-5999194-C-T. GRCh37 (hg19) VCF-style: chr7-6038825-C-T.
Other names: c.214G>A, p.Gly72Arg (NM_001322003.2, NM_001322004.2, NM_001322005.2 and 2 more transcripts); c.619G>A, p.Gly207Arg (NM_001322006.2, NM_001322014.2); c.301G>A, p.Gly101Arg (NM_001322007.2, NM_001322008.2); c.-315G>A (NM_001322011.2, NM_001322012.2); c.310G>A, p.Gly104Arg (NM_001322015.2); c.133-1771G>A (NM_001322013.2); short protein forms G207R, G104R, G72R, G101R.
Identifiers: ClinVar variation 187684 (VCV000187684.20), dbSNP rs368847322, ClinGen allele CA012432.